The following is an entry in ClinVar:

NM_024649.5(BBS1):c.579dup (p.Ile194fs)

Gene: BBS1 (Bardet-Biedl syndrome 1; plus strand). Cytogenetic location: 11q13.2.
Variant type: Duplication.
Coding change: c.579dup on transcript NM_024649.5 (MANE Select); coding-DNA position 579, one base duplicated (C; older notation c.579dupC).
Protein change: p.Ile194fs; shifts the reading frame from isoleucine 194.
Molecular consequence: frameshift variant.
Genome position (GRCh38, 1-based): chr11:66,515,921, C duplicated; the last of 2 consecutive C bases (chr11:66,515,920-66,515,921); duplicating either gives the same sequence. VCF-style (leftmost placement, unchanged base first): chr11-66515919-T-TC. GRCh37 (hg19) VCF-style: chr11-66283390-T-TC.
Other names: short protein forms I194fs.
Identifiers: ClinVar variation 2679948 (VCV002679948.2), dbSNP rs2495741505, ClinGen allele CA2695198910.

ClinVar aggregate classification (germline): Pathogenic/Likely pathogenic. Review status: criteria provided, multiple submitters, no conflicts (2 of 4 stars). 2 submissions from 2 submitters: Pathogenic (1); Likely pathogenic (1). Last evaluated 2024-07-21.

Conditions:
Bardet-Biedl syndrome 1 (BBS1). Identifiers: MedGen C2936862, MONDO:0008854, OMIM 209900. Disease mechanism: loss of function.

Submissions (2):

Myriad Genetics, Inc.
Classification: Pathogenic for Bardet-Biedl syndrome 1. Last evaluated: 2024-07-21. Review status: criteria provided, single submitter. Criteria: Myriad Autosomal Dominant, Autosomal Recessive and X-Linked Classification Criteria (2023). Collection method: clinical testing. Allele origin: unknown.
Comment: NM_024649.4(BBS1):c.579dupC(I194Hfs*19) is expected to be pathogenic in the context of Bardet-Biedl syndrome, BBS1-related. This variant is predicted to lead to an abnormal or absent protein product due to the creation of a premature termination codon in BBS1, a gene where loss-of-function variants are known to be pathogenic. Please note: this variant was assessed in the context of healthy population screening.

Baylor Genetics
Classification: Likely pathogenic for Bardet-Biedl syndrome 1. Last evaluated: 2023-07-24. Review status: criteria provided, single submitter. Criteria: ACMG Guidelines, 2015. Collection method: clinical testing. Allele origin: unknown.